The following is an entry in ClinVar:

NM_153717.3(EVC):c.2524G>A (p.Gly842Ser)

Gene: EVC (EvC ciliary complex subunit 1; plus strand). Cytogenetic location: 4p16.2.
Variant type: single nucleotide variant.
Coding change: c.2524G>A on transcript NM_153717.3 (MANE Select); coding-DNA position 2524, G replaced by A.
Protein change: p.Gly842Ser; replaces glycine 842 with serine.
Molecular consequence: missense variant.
Genome position (GRCh38, 1-based): chr4:5,804,804, G>A. VCF-style: chr4-5804804-G-A. GRCh37 (hg19) VCF-style: chr4-5806531-G-A.
Other names: c.2524G>A, p.Gly842Ser (NM_001306090.2); short protein forms G842S.
Identifiers: ClinVar variation 1474266 (VCV001474266.9), dbSNP rs1446692986, ClinGen allele CA356149645.

ClinVar aggregate classification (germline): Uncertain significance (1 of 4 stars; one submission).

Conditions:
Ellis-van Creveld syndrome (EVC). Also called: EVC-Related Ellis-van Creveld Syndrome; EVC2-Related Ellis-van Creveld Syndrome; MESOECTODERMAL DYSPLASIA; Chondroectodermal dysplasia. Identifiers: Orphanet 289, MedGen C0013903, MONDO:0009162, OMIM 225500.
Curry-Hall syndrome (WAD). Also called: WEYERS ACRODENTAL DYSOSTOSIS. Identifiers: Orphanet 952, MedGen C0457013, MONDO:0008673, OMIM 193530.

Allele frequency attached by ClinVar (database versions not stated): gnomAD exomes below 0.00001.
gnomAD v4.1: 4 of 1,614,166 alleles (0.00025%); highest among the groups gnomAD compares: Admixed American, 0.0033%; no homozygotes.

Submission:

Labcorp Genetics (formerly Invitae), Labcorp
Classification: Uncertain significance for Curry-Hall syndrome; Ellis-van Creveld syndrome. Last evaluated: 2022-07-26. Review status: criteria provided, single submitter. Criteria: Invitae Variant Classification Sherloc (09022015). Collection method: clinical testing. Allele origin: germline.
Comment: In summary, the available evidence is currently insufficient to determine the role of this variant in disease. Therefore, it has been classified as a Variant of Uncertain Significance. Algorithms developed to predict the effect of missense changes on protein structure and function (SIFT, PolyPhen-2, Align-GVGD) all suggest that this variant is likely to be tolerated. ClinVar contains an entry for this variant (Variation ID: 1474266). This variant has not been reported in the literature in individuals affected with EVC-related conditions. This variant is present in population databases (no rsID available, gnomAD 0.003%). This sequence change replaces glycine, which is neutral and non-polar, with serine, which is neutral and polar, at codon 842 of the EVC protein (p.Gly842Ser).